The following is an entry in ClinVar:

NM_001042492.3(NF1):c.3315-5C>G

Gene: NF1 (neurofibromin 1; plus strand). Cytogenetic location: 17q11.2.
Variant type: single nucleotide variant.
Coding change: c.3315-5C>G on transcript NM_001042492.3 (MANE Select); 5 bases into the intron before coding-DNA position 3315, C replaced by G.
Molecular consequence: intron variant.
Genome position (GRCh38, 1-based): chr17:31,232,695, C>G. VCF-style: chr17-31232695-C-G. GRCh37 (hg19) VCF-style: chr17-29559713-C-G.
Other names: c.3315-5C>G (NM_000267.4).
Identifiers: ClinVar variation 3237723 (VCV003237723.1), dbSNP rs1266211447.

ClinVar aggregate classification (germline): Uncertain significance (1 of 4 stars; one submission).

Conditions:
Hereditary cancer-predisposing syndrome. Also called: Neoplastic Syndromes, Hereditary; Tumor predisposition; Hereditary neoplastic syndrome; Hereditary Cancer Syndrome. Identifiers: Orphanet 140162, MedGen C0027672, MeSH D009386, MONDO:0015356.
Cardiovascular phenotype. Identifiers: MedGen CN230736.

gnomAD v4.1: 1 of 1,613,386 alleles (0.000062%); highest among the groups gnomAD compares: Non-Finnish European, 0.000085%; no homozygotes.

Submission:

Ambry Genetics
Classification: Uncertain significance for Cardiovascular phenotype; Hereditary cancer-predisposing syndrome. Last evaluated: 2024-03-06. Review status: criteria provided, single submitter. Criteria: Ambry Variant Classification Scheme 2023. Collection method: clinical testing. Allele origin: germline.
Comment: The c.3315-5C>G intronic variant results from a C to G substitution 5 nucleotides upstream from coding exon 26 in the NF1 gene. This nucleotide position is not well conserved in available vertebrate species. In silico splice site analysis predicts that this alteration may weaken the native splice acceptor site. Based on the available evidence, the clinical significance of this alteration remains unclear.